The following is an entry in ClinVar:

NM_005912.3(MC4R):c.69G>A (p.Leu23=)

Gene: MC4R (melanocortin 4 receptor; minus strand). Cytogenetic location: 18q21.32.
Variant type: single nucleotide variant.
Coding change: c.69G>A on transcript NM_005912.3 (MANE Select); coding-DNA position 69, G replaced by A.
Protein change: p.Leu23=; no amino-acid change (leucine 23 retained).
Molecular consequence: synonymous variant.
Genome position (GRCh38, 1-based): chr18:60,372,281, C>T on the plus strand (G>A on the coding strand, the complement: MC4R is on the minus strand). VCF-style: chr18-60372281-C-T. GRCh37 (hg19) VCF-style: chr18-58039514-C-T.
Identifiers: ClinVar variation 3353959 (VCV003353959.1).

ClinVar aggregate classification (germline): Likely benign (0 of 4 stars; one submission).

Conditions:
MC4R-related disorder. Also called: MC4R-related condition.

gnomAD v4.1: 4 of 1,614,222 alleles (0.00025%); highest among the groups gnomAD compares: Non-Finnish European, 0.00025%; no homozygotes.

Submission:

PreventionGenetics, part of Exact Sciences
Classification: Likely benign for MC4R-related condition. Last evaluated: 2024-01-31. Review status: no assertion criteria provided. Collection method: clinical testing. Allele origin: germline.
Comment: This variant is classified as likely benign based on ACMG/AMP sequence variant interpretation guidelines (Richards et al. 2015 PMID: 25741868, with internal and published modifications).